The following is an entry in ClinVar:

NM_017780.4(CHD7):c.7952A>G (p.Asn2651Ser)

Gene: CHD7 (chromodomain helicase DNA binding protein 7; plus strand). Cytogenetic location: 8q12.2.
Variant type: single nucleotide variant.
Coding change: c.7952A>G on transcript NM_017780.4 (MANE Select); coding-DNA position 7952, A replaced by G.
Protein change: p.Asn2651Ser; replaces asparagine 2651 with serine.
Molecular consequence: missense variant.
Genome position (GRCh38, 1-based): chr8:60,862,317, A>G. VCF-style: chr8-60862317-A-G. GRCh37 (hg19) VCF-style: chr8-61774876-A-G.
Other names: c.7952A>G (LRG_176t1); c.1805A>G, p.Asn602Ser (NM_001316690.1); short protein forms N2651S, N602S.
Identifiers: ClinVar variation 267439 (VCV000267439.17), dbSNP rs780161032, ClinGen allele CA4760918.

ClinVar aggregate classification (germline): Conflicting classifications of pathogenicity. Review status: criteria provided, conflicting classifications (1 of 4 stars). 6 submissions from 6 submitters: Uncertain significance (3); Likely benign (3). Last evaluated 2026-06-29.

Conditions:
CHD7-related disorder. Also called: CHD7-related condition.
Inborn genetic diseases. Identifiers: MedGen C0950123, MeSH D030342.
CHARGE syndrome (CHARGE). Also called: Hittner Hirsch Kreh syndrome; Coloboma, heart anomaly, choanal atresia, retardation, genital and ear anomalies; CHARGE association; Hall-Hittner syndrome; CHARGE ASSOCIATION--COLOBOMA, HEART ANOMALY, CHOANAL ATRESIA, RETARDATION, GENITAL AND EAR ANOMALIES. Identifiers: Orphanet 138, MedGen C0265354, MONDO:0008965.
Hypogonadotropic hypogonadism 5 with or without anosmia (KAL5). Also called: CHD7-Related GnRH Deficiency (Kallmann Syndrome 5); HYPOGONADOTROPIC HYPOGONADISM 5 WITH ANOSMIA; HYPOGONADOTROPHIC HYPOGONADISM 5 WITHOUT ANOSMIA. Identifiers: Orphanet 478, MedGen C3552553, MONDO:0012880, OMIM 612370. Disease mechanism: loss of function.

Allele frequency attached by ClinVar (database versions not stated): TOPMed 0.00014; gnomAD exomes 0.00001; ExAC 0.00002; gnomAD 0.00004.
gnomAD v4.1: 29 of 1,604,512 alleles (0.0018%); highest among the groups gnomAD compares: African/African-American, 0.0067%; no homozygotes.

Submissions (6):

Ambry Genetics
Classification: Likely benign for Inborn genetic diseases. Last evaluated: 2026-06-29. Review status: criteria provided, single submitter. Criteria: Ambry Variant Classification Scheme 2023. Collection method: clinical testing. Allele origin: germline.

PreventionGenetics, part of Exact Sciences
Classification: Uncertain significance for CHD7-related condition. Last evaluated: 2026-02-23. Review status: criteria provided, single submitter. Criteria: ACMG Guidelines, 2015. Collection method: clinical testing. Allele origin: germline.
Comment: The CHD7 c.7952A>G variant is predicted to result in the amino acid substitution p.Asn2651Ser. To our knowledge, this variant has not been reported in the literature. This variant is reported in 0.0042% of alleles in individuals of African descent in gnomAD. At this time, the clinical significance of this variant is uncertain due to the absence of conclusive functional and genetic evidence.

Labcorp Genetics (formerly Invitae), Labcorp
Classification: Likely benign for CHARGE syndrome. Last evaluated: 2026-01-12. Review status: criteria provided, single submitter. Criteria: Invitae Variant Classification Sherloc (09022015). Collection method: clinical testing. Allele origin: germline.

Fulgent Genetics
Classification: Likely benign for CHD7-related CHARGE syndrome; Hypogonadotropic hypogonadism 5 with or without anosmia. Last evaluated: 2024-01-06. Review status: criteria provided, single submitter. Criteria: ACMG Guidelines, 2015. Collection method: clinical testing. Allele origin: germline.

GeneDx
Classification: Uncertain significance. Last evaluated: 2021-05-21. Review status: criteria provided, single submitter. Criteria: GeneDx Variant Classification Process June 2021. Collection method: clinical testing. Allele origin: germline. Affected: yes.
Comment: Not observed at a significant frequency in large population cohorts (Lek et al., 2016); In silico analysis supports that this missense variant has a deleterious effect on protein structure/function; Has not been previously published as pathogenic or benign to our knowledge

Genomic Diagnostic Laboratory, Division of Genomic Diagnostics, Children's Hospital of Philadelphia
Classification: Uncertain significance for CHARGE syndrome. Last evaluated: 2016-09-05. Review status: criteria provided, single submitter. Criteria: DGD Variant Analysis Guidelines. Collection method: clinical testing. Allele origin: germline. Affected: yes. Observed: 1 variant allele.
Comment: Clinical Testing